The following is an entry in ClinVar:

ClinVar aggregate classification (germline): Pathogenic/Likely pathogenic. Review status: criteria provided, multiple submitters, no conflicts (2 of 4 stars). 3 submissions from 3 submitters: Pathogenic (1); Likely pathogenic (1). 1 of the submissions does not count toward it. Last evaluated 2022-04-14.

Conditions:
Lysinuric protein intolerance (LPI). Identifiers: Orphanet 470, MedGen C0268647, MONDO:0009109, OMIM 222700.

Submissions (3):

Fulgent Genetics
Classification: Likely pathogenic for Lysinuric protein intolerance. Last evaluated: 2022-04-14. Review status: criteria provided, single submitter. Criteria: ACMG Guidelines, 2015. Collection method: clinical testing. Allele origin: unknown.

Labcorp Genetics (formerly Invitae), Labcorp
Classification: Pathogenic for Lysinuric protein intolerance. Last evaluated: 2020-07-24. Review status: criteria provided, single submitter. Criteria: Invitae Variant Classification Sherloc (09022015). Collection method: clinical testing. Allele origin: germline.
Comment: For these reasons, this variant has been classified as Pathogenic. Donor and acceptor splice site variants typically lead to a loss of protein function (PMID: 16199547), and loss-of-function variants in SLC7A7 are known to be pathogenic (PMID: 10631139, 17764084). Algorithms developed to predict the effect of sequence changes on RNA splicing suggest that this variant may disrupt the consensus splice site, but this prediction has not been confirmed by published transcriptional studies. This variant has been observed in individual(s) with lysinuric protein intolerance (PMID: 10631139). In at least one individual the data is consistent with the variant being in trans (on the opposite chromosome) from a pathogenic variant. This variant is also known as IVS6+1G>T in the literature. ClinVar contains an entry for this variant (Variation ID: 56380). This variant is not present in population databases (ExAC no frequency). This sequence change affects a donor splice site in intron 6 of the SLC7A7 gene. It is expected to disrupt RNA splicing and likely results in an absent or disrupted protein product.

Juha Muilu Group; Institute for Molecular Medicine Finland (FIMM)
Classification: Likely pathogenic for Lysinuric protein intolerance. Review status: no assertion criteria provided. Collection method: not provided. Allele origin: unknown. Not counted in ClinVar's aggregate classification.
Comment: FinDis database variant: This variant was not found or characterized by our laboratory, data were collected from public sources: see reference
ClinVar note: Converted during submission from probable-pathogenic to Likely pathogenic.

Literature cited by the submitters: PubMed 16199547 (cited by Labcorp Genetics (formerly Invitae), Labcorp); PubMed 10631139 (cited by Labcorp Genetics (formerly Invitae), Labcorp); PubMed 17764084 (cited by Labcorp Genetics (formerly Invitae), Labcorp).

NM_003982.4(SLC7A7):c.894+1G>T

Gene: SLC7A7 (solute carrier family 7 member 7; minus strand). Cytogenetic location: 14q11.2.
Variant type: single nucleotide variant.
Coding change: c.894+1G>T on transcript NM_003982.4 (MANE Select); the canonical splice donor site of the intron after coding-DNA position 894, G replaced by T.
Molecular consequence: splice donor variant.
Genome position (GRCh38, 1-based): chr14:22,776,194, C>A on the plus strand (G>T on the coding strand, the complement: SLC7A7 is on the minus strand). VCF-style: chr14-22776194-C-A. GRCh37 (hg19) VCF-style: chr14-23245403-C-A.
Other names: c.894+1G>T (NM_001126106.4, NM_001126105.3).
Identifiers: ClinVar variation 56380 (VCV000056380.10), dbSNP rs386833827, ClinGen allele CA263853.